The following is an entry in ClinVar:

NM_144498.4(OSBPL2):c.1341-5G>A

Gene: OSBPL2 (oxysterol binding protein like 2; plus strand). Cytogenetic location: 20q13.33.
Variant type: single nucleotide variant.
Coding change: c.1341-5G>A on transcript NM_144498.4 (MANE Select); 5 bases into the intron before coding-DNA position 1341, G replaced by A.
Molecular consequence: intron variant.
Genome position (GRCh38, 1-based): chr20:62,293,780, G>A. VCF-style: chr20-62293780-G-A. GRCh37 (hg19) VCF-style: chr20-60868836-G-A.
Other names: c.1065-5G>A (NM_001363878.2); c.1305-5G>A (NM_014835.5); c.941-5G>A (NM_001278649.3).
Identifiers: ClinVar variation 2740223 (VCV002740223.4), dbSNP rs774298765, ClinGen allele CA9938811.

ClinVar aggregate classification (germline): Uncertain significance (1 of 4 stars; one submission).

Allele frequency attached by ClinVar (database versions not stated): TOPMed 0.00004.
gnomAD v4.1: 44 of 1,612,888 alleles (0.0027%); highest among the groups gnomAD compares: African/African-American, 0.004%; no homozygotes.

Submissions (2):

Labcorp Genetics (formerly Invitae), Labcorp
Classification: Uncertain significance. Last evaluated: 2023-11-07. Review status: criteria provided, single submitter. Criteria: Invitae Variant Classification Sherloc (09022015). Collection method: clinical testing. Allele origin: germline.
Comment: This sequence change falls in intron 13 of the OSBPL2 gene. It does not directly change the encoded amino acid sequence of the OSBPL2 protein. The frequency data for this variant in the population databases is considered unreliable, as metrics indicate poor data quality at this position in the gnomAD database. This variant has not been reported in the literature in individuals affected with OSBPL2-related conditions. Algorithms developed to predict the effect of sequence changes on RNA splicing suggest that this variant may create or strengthen a splice site. In summary, the available evidence is currently insufficient to determine the role of this variant in disease. Therefore, it has been classified as a Variant of Uncertain Significance.

Dr. Peter K. Rogan Lab, Western University
No classification provided (evidence only). Condition: Ovarian serous cystadenocarcinoma. Review status: no classification provided. Collection method: in vitro. Allele origin: not applicable. Functional consequence: retained intron. Not counted in ClinVar's aggregate classification.